The following is an entry in ClinVar:

NM_006514.4(SCN10A):c.807_818del (p.Gly270_Lys273del)

Gene: SCN10A (sodium voltage-gated channel alpha subunit 10; minus strand). Cytogenetic location: 3p22.2.
Variant type: Deletion.
Coding change: c.807_818del on transcript NM_006514.4 (MANE Select); coding-DNA positions 807 to 818, 12 bases deleted (GGGCAACCTCAA).
Protein change: p.Gly270_Lys273del.
Molecular consequence: inframe deletion.
Genome position (GRCh38, 1-based): chr3:38,761,257-38,761,268, TTGAGGTTGCCC deleted on the plus strand (GGGCAACCTCAA on the coding strand, the reverse complement: SCN10A is on the minus strand); deleting any 12 consecutive bases within chr3:38,761,257-38,761,272 gives the same sequence; the c. name uses the placement nearest the transcript's 3' end. VCF-style (leftmost placement, unchanged base first): chr3-38761256-TTTGAGGTTGCCC-T. GRCh37 (hg19) VCF-style: chr3-38802747-TTTGAGGTTGCCC-T.
Other names: c.807_818del, p.Gly270_Lys273del (NM_001293306.2, NM_001293307.2).
Identifiers: ClinVar variation 1761878 (VCV001761878.3), dbSNP rs2470808136, ClinGen allele CA2580069838.

ClinVar aggregate classification (germline): Uncertain significance (1 of 4 stars; one submission).

Conditions:
Cardiovascular phenotype. Identifiers: MedGen CN230736.

Submission:

Ambry Genetics
Classification: Uncertain significance for Cardiovascular phenotype. Last evaluated: 2024-05-29. Review status: criteria provided, single submitter. Criteria: Ambry Variant Classification Scheme 2023. Collection method: clinical testing. Allele origin: germline.
Comment: The c.807_818del12 variant (also known as p.G270_K273del) is located in coding exon 6 of the SCN10A gene. This variant results from an in-frame deletion of 12 nucleotides at positions 807 to 818. This results in the in-frame deletion of 4 amino acids between codons 270 and 273. These amino acid positions are well conserved in available vertebrate species. In addition, this alteration is predicted to be deleterious by in silico analysis (Choi Y et al. PLoS ONE. 2012; 7(10):e46688). The evidence for this gene-disease relationship is limited; therefore, the clinical significance of this alteration is unclear.